The following is an entry in ClinVar:

NM_001330260.2(SCN8A):c.555T>G (p.Asp185Glu)

Gene: SCN8A (sodium voltage-gated channel alpha subunit 8; plus strand). Cytogenetic location: 12q13.13.
Variant type: single nucleotide variant.
Coding change: c.555T>G on transcript NM_001330260.2 (MANE Select); coding-DNA position 555, T replaced by G.
Protein change: p.Asp185Glu; replaces aspartic acid 185 with glutamic acid.
Molecular consequence: missense variant.
Genome position (GRCh38, 1-based): chr12:51,687,160, T>G. VCF-style: chr12-51687160-T-G. GRCh37 (hg19) VCF-style: chr12-52080944-T-G.
Other names: c.555T>G, p.Asp185Glu (NM_001177984.3, NM_001369788.1, NM_014191.4); short protein forms D185E.
Identifiers: ClinVar variation 2430337 (VCV002430337.2), dbSNP rs2540156017, ClinGen allele CA385222501.

ClinVar aggregate classification (germline): Uncertain significance (1 of 4 stars; one submission).

Submission:

Centre of Medical Genetics, University Hospital Muenster
Classification: Uncertain significance. Last evaluated: 2022-10-07. Review status: criteria provided, single submitter. Criteria: ACMG Guidelines, 2015. Collection method: clinical testing. Allele origin: unknown. Affected: yes. Observed: 1 variant allele, 1 heterozygote.
Comment: ACMG categories: PM2,PP3